The following is an entry in ClinVar:

NM_206933.4(USH2A):c.10534A>C (p.Asn3512His)

Gene: USH2A (usherin; minus strand). Cytogenetic location: 1q41.
Variant type: single nucleotide variant.
Coding change: c.10534A>C on transcript NM_206933.4 (MANE Select); coding-DNA position 10534, A replaced by C.
Protein change: p.Asn3512His; replaces asparagine 3512 with histidine.
Molecular consequence: missense variant.
Genome position (GRCh38, 1-based): chr1:215,782,789, T>G on the plus strand (A>C on the coding strand, the complement: USH2A is on the minus strand). VCF-style: chr1-215782789-T-G. GRCh37 (hg19) VCF-style: chr1-215956131-T-G.
Other names: short protein forms N3512H.
Identifiers: ClinVar variation 943678 (VCV000943678.7), dbSNP rs758985068, ClinGen allele CA1393995.

ClinVar aggregate classification (germline): Uncertain significance. Review status: criteria provided, multiple submitters, no conflicts (2 of 4 stars). 3 submissions from 3 submitters: Uncertain significance (2). 1 of the submissions does not count toward it. Last evaluated 2024-12-16.

Conditions:
Usher syndrome type 2A. Also called: RETINAL DISEASE IN USHER SYNDROME TYPE IIA, MODIFIER OF; USHER SYNDROME, TYPE IIA. Identifiers: Orphanet 231178, Orphanet 886, MedGen C1848634, MONDO:0010169, OMIM 276901.

Allele frequency attached by ClinVar (database versions not stated): gnomAD below 0.00001 and 0.00001; ExAC 0.00001; TOPMed 0.00001; gnomAD exomes 0.00002 and 0.00003.
gnomAD v4.1: 31 of 1,613,930 alleles (0.0019%); highest among the groups gnomAD compares: South Asian, 0.026%; no homozygotes.

Submissions (3):

Labcorp Genetics (formerly Invitae), Labcorp
Classification: Uncertain significance. Last evaluated: 2024-12-16. Review status: criteria provided, single submitter. Criteria: Invitae Variant Classification Sherloc (09022015). Collection method: clinical testing. Allele origin: germline.
Comment: This sequence change replaces asparagine, which is neutral and polar, with histidine, which is basic and polar, at codon 3512 of the USH2A protein (p.Asn3512His). This variant is present in population databases (rs758985068, gnomAD 0.01%). This variant has not been reported in the literature in individuals affected with USH2A-related conditions. ClinVar contains an entry for this variant (Variation ID: 943678). Invitae Evidence Modeling of protein sequence and biophysical properties (such as structural, functional, and spatial information, amino acid conservation, physicochemical variation, residue mobility, and thermodynamic stability) indicates that this missense variant is not expected to disrupt USH2A protein function with a negative predictive value of 95%. In summary, the available evidence is currently insufficient to determine the role of this variant in disease. Therefore, it has been classified as a Variant of Uncertain Significance.

Blueprint Genetics
Classification: Uncertain significance. Last evaluated: 2019-01-09. Review status: criteria provided, single submitter. Criteria: ACMG Guidelines, 2015. Collection method: clinical testing. Allele origin: germline.

Natera, Inc.
Classification: Uncertain significance for Usher syndrome type 2A. Last evaluated: 2020-05-07. Review status: no assertion criteria provided. Collection method: clinical testing. Allele origin: germline. Not counted in ClinVar's aggregate classification.